The following is an entry in ClinVar:

NM_003722.5(TP63):c.2034G>C (p.Glu678Asp)

Gene: TP63 (tumor protein p63; plus strand). Cytogenetic location: 3q28.
Variant type: single nucleotide variant.
Coding change: c.2034G>C on transcript NM_003722.5 (MANE Select); coding-DNA position 2034, G replaced by C.
Protein change: p.Glu678Asp; replaces glutamic acid 678 with aspartic acid.
Molecular consequence: missense variant. On other transcripts: 3 prime UTR variant (6).
Genome position (GRCh38, 1-based): chr3:189,894,493, G>C. VCF-style: chr3-189894493-G-C. GRCh37 (hg19) VCF-style: chr3-189612282-G-C.
Other names: c.*272G>C (NM_001114978.2, NM_001114981.2); c.1752G>C, p.Glu584Asp (NM_001114980.2); c.*262G>C (NM_001329144.2, NM_001329145.2, NM_001329149.2 and 1 more transcripts); c.1497G>C, p.Glu499Asp (NM_001329146.2); c.2022G>C, p.Glu674Asp (NM_001329148.2); c.2028G>C, p.Glu676Asp (NM_001329964.2); short protein forms E499D, E676D, E584D, E674D, E678D.
Identifiers: ClinVar variation 5006601 (VCV005006601.2).

ClinVar aggregate classification (germline): Uncertain significance (1 of 4 stars; one submission).

Conditions:
ADULT syndrome. Also called: ACRO-DERMATO-UNGUAL-LACRIMAL-TOOTH SYNDROME; Acro-dermato-ungual-lacrimal-tooth (adult) syndrome; Acro-Dermo-Ungual-Lacrimal-Tooth Syndrome (ADULT Syndrome). Identifiers: Orphanet 978, MedGen C1863204, MONDO:0007072, OMIM 103285.
Ankyloblepharon-ectodermal defects-cleft lip/palate syndrome. Also called: AEC SYNDROME; Ankyloblepharon-ectodermal defects, cleft lip/palate; Hay-Wells syndrome of ectodermal dysplasia; HAY-WELLS SYNDROME; Ankyloblepharon-Ectodermal Defects-Cleft Lip/Palate Syndrome (AEC Syndrome). Identifiers: Orphanet 1071, MedGen C0406709, MONDO:0007124, OMIM 106260.
Premature ovarian failure 21 (POF21). Identifiers: MedGen C5830399, MONDO:0957216, OMIM 620311.
Ectrodactyly, ectodermal dysplasia, and cleft lip-palate syndrome 3. Also called: Ectrodactyly, Ectodermal Dysplasia, Clefting Syndrome; EEC SYNDROME 3; Ectrodactyly, Ectodermal Dysplasia, Clefting Syndrome Type 3 (EEC3); Ectrodactyly, Ectodermal Dysplasia, Cleft Lip/Palate Syndrome 3 (EEC3). Identifiers: Orphanet 1896, MedGen C1858562, MONDO:0011428, OMIM 604292.
Split hand-foot malformation 4. Also called: Split-Hand/Foot Malformation Type 4 (SHFM4 syndrome); Split-Hand/Foot Malformation Type 4 (SHFM4). Identifiers: Orphanet 2440, MedGen C1854442, MONDO:0011535, OMIM 605289.
Orofacial cleft 8. Also called: Cleft lip with or without cleft palate, nonsyndromic, 8. Identifiers: MedGen C1851878, MONDO:0029145, OMIM 618149.
Rapp-Hodgkin syndrome (RHS). Also called: Rapp-Hodgkin ectodermal dysplasia syndrome; Isolated Cleft Lip/Cleft Palate (Orofacial Cleft 8); ECTODERMAL DYSPLASIA, ANHIDROTIC, WITH CLEFT LIP/PALATE. Identifiers: MedGen C1785148, MONDO:0007508, OMIM 129400.
Limb-mammary syndrome (LMS). Also called: Mammary hypoplasia, ectrodactyly, and other hand/foot anomalies. Identifiers: Orphanet 69085, MedGen C1863753, MONDO:0011334, OMIM 603543.

Submission:

Juno Genomics, Hangzhou Juno Genomics, Inc
Classification: Uncertain significance for Split hand-foot malformation 4; Premature ovarian failure 21; ADULT syndrome; Ectrodactyly, ectodermal dysplasia, and cleft lip-palate syndrome 3; Ankyloblepharon-ectodermal defects-cleft lip/palate syndrome; Limb-mammary syndrome; Orofacial cleft 8; Rapp-Hodgkin syndrome. Review status: criteria provided, single submitter. Criteria: ACMG Guidelines, 2015. Collection method: clinical testing. Allele origin: germline.
Comment: Absent from controls (or at extremely low frequency if recessive) in Genome Aggregation Database.;Missense variant in a gene that has a low rate of benign missense variation.